The following is an entry in ClinVar:

ClinVar aggregate classification (germline): Uncertain significance (1 of 4 stars; one submission).

Conditions:
Hereditary cancer-predisposing syndrome. Also called: Neoplastic Syndromes, Hereditary; Tumor predisposition; Hereditary Cancer Syndrome; Hereditary neoplastic syndrome. Identifiers: Orphanet 140162, MedGen C0027672, MeSH D009386, MONDO:0015356.
Cardiovascular phenotype. Identifiers: MedGen CN230736.

Submission:

Ambry Genetics
Classification: Uncertain significance for Cardiovascular phenotype; Hereditary cancer-predisposing syndrome. Last evaluated: 2022-03-22. Review status: criteria provided, single submitter. Criteria: Ambry Variant Classification Scheme 2023. Collection method: clinical testing. Allele origin: germline.
Comment: The p.H130Y variant (also known as c.388C>T), located in coding exon 4 of the NF1 gene, results from a C to T substitution at nucleotide position 388. The histidine at codon 130 is replaced by tyrosine, an amino acid with similar properties. This amino acid position is highly conserved in available vertebrate species. In addition, the in silico prediction for this alteration is inconclusive. Since supporting evidence is limited at this time, the clinical significance of this alteration remains unclear.

NM_001042492.3(NF1):c.388C>T (p.His130Tyr)

Gene: NF1 (neurofibromin 1; plus strand). Cytogenetic location: 17q11.2.
Variant type: single nucleotide variant.
Coding change: c.388C>T on transcript NM_001042492.3 (MANE Select); coding-DNA position 388, C replaced by T.
Protein change: p.His130Tyr; replaces histidine 130 with tyrosine.
Molecular consequence: missense variant.
Genome position (GRCh38, 1-based): chr17:31,163,285, C>T. VCF-style: chr17-31163285-C-T. GRCh37 (hg19) VCF-style: chr17-29490303-C-T.
Other names: c.388C>T, p.His130Tyr (NM_001128147.3, NM_000267.4); short protein forms H130Y.
Identifiers: ClinVar variation 1735880 (VCV001735880.2), dbSNP rs1597635874, ClinGen allele CA398981846.